The following is an entry in ClinVar:

ClinVar aggregate classification (germline): Uncertain significance (1 of 4 stars; one submission).

Allele frequency attached by ClinVar (database versions not stated): gnomAD 0.00001; gnomAD exomes 0.00002 and 0.00003; TOPMed 0.00002; ExAC 0.00004.
gnomAD v4.1: 27 of 1,614,228 alleles (0.0017%); highest among the groups gnomAD compares: Middle Eastern, 0.12%; no homozygotes.

Submission:

GeneDx
Classification: Uncertain significance. Last evaluated: 2020-12-07. Review status: criteria provided, single submitter. Criteria: GeneDx Variant Classification Process June 2021. Collection method: clinical testing. Allele origin: germline. Affected: yes.
Comment: In silico analysis, which includes protein predictors and evolutionary conservation, supports a deleterious effect; Has not been previously published as pathogenic or benign to our knowledge

NM_000293.3(PHKB):c.191A>G (p.Gln64Arg)

Genes: PHKB (phosphorylase kinase regulatory subunit beta; plus strand), LOC112449713 (Sharpr-MPRA regulatory region 10524; plus strand). Cytogenetic location: 16q12.1.
Variant type: single nucleotide variant.
Coding change: c.191A>G on transcript NM_000293.3 (MANE Select); coding-DNA position 191, A replaced by G.
Protein change: p.Gln64Arg; replaces glutamine 64 with arginine.
Molecular consequence: missense variant.
Genome position (GRCh38, 1-based): chr16:47,499,780, A>G. VCF-style: chr16-47499780-A-G. GRCh37 (hg19) VCF-style: chr16-47533691-A-G.
Other names: c.170A>G, p.Gln57Arg (NM_001031835.3); c.191A>G, p.Gln64Arg (NM_001363837.1); short protein forms Q57R, Q64R.
Identifiers: ClinVar variation 1309593 (VCV001309593.2), dbSNP rs749255658, ClinGen allele CA8040399.